The following is an entry in ClinVar:

NM_138713.4(NFAT5):c.2783A>G (p.Gln928Arg)

Gene: NFAT5 (nuclear factor of activated T cells 5; plus strand). Cytogenetic location: 16q22.1.
Variant type: single nucleotide variant.
Coding change: c.2783A>G on transcript NM_138713.4 (MANE Select); coding-DNA position 2783, A replaced by G.
Protein change: p.Gln928Arg; replaces glutamine 928 with arginine.
Molecular consequence: missense variant.
Genome position (GRCh38, 1-based): chr16:69,692,608, A>G. VCF-style: chr16-69692608-A-G. GRCh37 (hg19) VCF-style: chr16-69726511-A-G.
Other names: c.2780A>G, p.Gln927Arg (NM_001113178.3); c.2108A>G, p.Gln703Arg (NM_001367709.1); c.2729A>G, p.Gln910Arg (NM_006599.4); c.2501A>G, p.Gln834Arg (NM_138714.4, NM_173214.3, NM_173215.3); c.2783A>G (NM_138713.3); c.2783A>G, p.Gln928Arg (LRG_1332t1); short protein forms Q703R, Q927R, Q834R, Q928R, Q910R.
Identifiers: ClinVar variation 659185 (VCV000659185.12), dbSNP rs148167814, ClinGen allele CA8135805.

ClinVar aggregate classification (germline): Uncertain significance. Review status: criteria provided, multiple submitters, no conflicts (2 of 4 stars). 3 submissions from 3 submitters: Uncertain significance (2). 1 of the submissions does not count toward it. Last evaluated 2025-08-29.

Conditions:
Immunodeficiency. Identifiers: MedGen C0021051, MONDO:0021094, HP:0002721.
NFAT5-related disorder. Also called: NFAT5-related condition.

Allele frequency attached by ClinVar (database versions not stated): TOPMed 0.00003; gnomAD exomes 0.00004 and 0.00005; gnomAD 0.00005; ExAC 0.00006; ESP Exome Variant Server 0.00015.
gnomAD v4.1: 78 of 1,614,116 alleles (0.0048%); highest among the groups gnomAD compares: Non-Finnish European, 0.0064%; no homozygotes.

Submissions (3):

Labcorp Genetics (formerly Invitae), Labcorp
Classification: Uncertain significance for Immunodeficiency. Last evaluated: 2025-08-29. Review status: criteria provided, single submitter. Criteria: Invitae Variant Classification Sherloc (09022015). Collection method: clinical testing. Allele origin: germline.
Comment: This sequence change replaces glutamine, which is neutral and polar, with arginine, which is basic and polar, at codon 834 of the NFAT5 protein (p.Gln834Arg). This variant is present in population databases (rs148167814, gnomAD 0.008%). This variant has not been reported in the literature in individuals affected with NFAT5-related conditions. ClinVar contains an entry for this variant (Variation ID: 659185). An algorithm developed to predict the effect of missense changes on protein structure and function (PolyPhen-2) suggests that this variant is likely to be disruptive. In summary, the available evidence is currently insufficient to determine the role of this variant in disease. Therefore, it has been classified as a Variant of Uncertain Significance.

Ambry Genetics
Classification: Uncertain significance. Last evaluated: 2025-01-23. Review status: criteria provided, single submitter. Criteria: Ambry Variant Classification Scheme 2023. Collection method: clinical testing. Allele origin: germline.

PreventionGenetics, part of Exact Sciences
Classification: Uncertain significance for NFAT5-related condition. Last evaluated: 2024-02-20. Review status: no assertion criteria provided. Collection method: clinical testing. Allele origin: germline. Not counted in ClinVar's aggregate classification.
Comment: The NFAT5 c.2501A>G variant is predicted to result in the amino acid substitution p.Gln834Arg. To our knowledge, this variant has not been reported in the literature. This variant is reported in 0.0077% of alleles in individuals of European (Non-Finnish) descent in gnomAD. At this time, the clinical significance of this variant is uncertain due to the absence of conclusive functional and genetic evidence.